The following is an entry in ClinVar:

ClinVar aggregate classification (germline): Likely benign (0 of 4 stars; one submission).

Conditions:
NECTIN3-related disorder. Also called: NECTIN3-related condition.

Allele frequency attached by ClinVar (database versions not stated): gnomAD exomes 0.00043; ExAC 0.00154; ESP Exome Variant Server 0.00253; 1000 Genomes Project 0.00559; gnomAD 0.00559; 1000 Genomes Project 30x 0.00609.
gnomAD v4.1: 1,083 of 1,244,960 alleles (0.087%); highest among the groups gnomAD compares: African/African-American, 1.8%; 6 homozygotes.

Submission:

PreventionGenetics, part of Exact Sciences
Classification: Likely benign for NECTIN3-related condition. Last evaluated: 2023-07-16. Review status: no assertion criteria provided. Collection method: clinical testing. Allele origin: germline.
Comment: This variant is classified as likely benign based on ACMG/AMP sequence variant interpretation guidelines (Richards et al. 2015 PMID: 25741868, with internal and published modifications).

NM_015480.3(NECTIN3):c.-10A>T

Gene: NECTIN3 (nectin cell adhesion molecule 3; plus strand). Cytogenetic location: 3q13.13.
Variant type: single nucleotide variant.
Coding change: c.-10A>T on transcript NM_015480.3 (MANE Select); 10 bases upstream of the start codon, A replaced by T.
Molecular consequence: 5 prime UTR variant.
Genome position (GRCh38, 1-based): chr3:111,072,008, A>T. VCF-style: chr3-111072008-A-T. GRCh37 (hg19) VCF-style: chr3-110790855-A-T.
Other names: c.-10A>T (NM_001243286.2); c.-412A>T (NM_001243288.2).
Identifiers: ClinVar variation 3044674 (VCV003044674.2), dbSNP rs375756370, ClinGen allele CA2533626.